The following is an entry in ClinVar:

NM_016247.4(IMPG2):c.931G>C (p.Val311Leu)

Gene: IMPG2 (interphotoreceptor matrix proteoglycan 2; minus strand). Cytogenetic location: 3q12.3.
Variant type: single nucleotide variant.
Coding change: c.931G>C on transcript NM_016247.4 (MANE Select); coding-DNA position 931, G replaced by C.
Protein change: p.Val311Leu; replaces valine 311 with leucine.
Molecular consequence: missense variant.
Genome position (GRCh38, 1-based): chr3:101,257,751, C>G on the plus strand (G>C on the coding strand, the complement: IMPG2 is on the minus strand). VCF-style: chr3-101257751-C-G. GRCh37 (hg19) VCF-style: chr3-100976595-C-G.
Other names: short protein forms V311L.
Identifiers: ClinVar variation 1422303 (VCV001422303.6), dbSNP rs1706627176, ClinGen allele CA353866372.

ClinVar aggregate classification (germline): Uncertain significance (1 of 4 stars; one submission).

Allele frequency attached by ClinVar (database versions not stated): TOPMed below 0.00001.

Submission:

Labcorp Genetics (formerly Invitae), Labcorp
Classification: Uncertain significance. Last evaluated: 2021-09-23. Review status: criteria provided, single submitter. Criteria: Invitae Variant Classification Sherloc (09022015). Collection method: clinical testing. Allele origin: germline.
Comment: This variant is not present in population databases (ExAC no frequency). In summary, the available evidence is currently insufficient to determine the role of this variant in disease. Therefore, it has been classified as a Variant of Uncertain Significance. Algorithms developed to predict the effect of missense changes on protein structure and function (SIFT, PolyPhen-2, Align-GVGD) all suggest that this variant is likely to be disruptive. This variant has not been reported in the literature in individuals affected with IMPG2-related conditions. This sequence change replaces valine with leucine at codon 311 of the IMPG2 protein (p.Val311Leu). The valine residue is highly conserved and there is a small physicochemical difference between valine and leucine.